The following is an entry in ClinVar:

NM_000540.3(RYR1):c.7860G>A (p.Gln2620=)

Gene: RYR1 (ryanodine receptor 1; plus strand). Cytogenetic location: 19q13.2.
Variant type: single nucleotide variant.
Coding change: c.7860G>A on transcript NM_000540.3 (MANE Select); coding-DNA position 7860, G replaced by A.
Protein change: p.Gln2620=; no amino-acid change (glutamine 2620 retained).
Molecular consequence: synonymous variant.
Genome position (GRCh38, 1-based): chr19:38,502,904, G>A. VCF-style: chr19-38502904-G-A. GRCh37 (hg19) VCF-style: chr19-38993544-G-A.
Other names: p.Gln2620=; c.7860G>A, p.Gln2620= (NM_001042723.2).
Identifiers: ClinVar variation 256564 (VCV000256564.55), dbSNP rs147587000, ClinGen allele CA070869.

ClinVar aggregate classification (germline): Benign/Likely benign. Review status: criteria provided, multiple submitters, no conflicts (2 of 4 stars). 7 submissions from 7 submitters: Benign (1); Likely benign (6). Last evaluated 2026-06-01.

Conditions:
RYR1-related disorder. Also called: RYR1-related disorders; RYR1-related condition. Identifiers: MedGen CN239331.
Malignant hyperthermia, susceptibility to, 1 (MHS1). Also called: Anesthesia related hyperthermia; Malignant hyperpyrexia; Fulminating hyperpyrexia; Pharmacogenic myopathy; RYR1-Related Malignant Hyperthermia Susceptibility; Malignant hyperthermia suceptibility 1. Identifiers: Orphanet 423, MedGen C2930980, MONDO:0007783, OMIM 145600.

Allele frequency attached by ClinVar (database versions not stated): gnomAD exomes 0.00008 and 0.00017; ExAC 0.00020; ESP Exome Variant Server 0.00054; gnomAD 0.00072 and 0.00081; 1000 Genomes Project 30x 0.00078; 1000 Genomes Project 0.00080; TOPMed 0.00095.
gnomAD v4.1: 254 of 1,611,824 alleles (0.016%); highest among the groups gnomAD compares: African/African-American, 0.26%; 1 homozygote.

Submissions (7):

CeGaT Center for Human Genetics Tuebingen
Classification: Likely benign. Last evaluated: 2026-06-01. Review status: criteria provided, single submitter. Criteria: CeGaT Center For Human Genetics Tuebingen Variant Classification Criteria Version 2. Collection method: clinical testing. Allele origin: germline. Affected: yes. Observed: 8 variant alleles.
Comment: RYR1: BP4, BP7

Labcorp Genetics (formerly Invitae), Labcorp
Classification: Benign for RYR1-related disorder. Last evaluated: 2026-01-25. Review status: criteria provided, single submitter. Criteria: Invitae Variant Classification Sherloc (09022015). Collection method: clinical testing. Allele origin: germline.

Mayo Clinic Laboratories, Mayo Clinic
Classification: Likely benign. Last evaluated: 2025-03-01. Review status: criteria provided, single submitter. Criteria: ACMG Guidelines, 2015. Collection method: clinical testing. Allele origin: germline. Observed: 2 variant alleles.
Comment: BP4, BP7

Blueprint Genetics
Classification: Likely benign. Last evaluated: 2024-09-02. Review status: criteria provided, single submitter. Criteria: ACMG Guidelines, 2015. Collection method: clinical testing. Allele origin: germline.

Color Diagnostics, LLC DBA Color Health
Classification: Likely benign for Malignant hyperthermia, susceptibility to, 1. Last evaluated: 2022-11-06. Review status: criteria provided, single submitter. Criteria: ACMG Guidelines, 2015. Collection method: clinical testing. Allele origin: germline.

GeneDx
Classification: Likely benign. Last evaluated: 2017-06-20. Review status: criteria provided, single submitter. Criteria: GeneDx Variant Classification (06012015). Collection method: clinical testing. Allele origin: germline. Affected: yes.
Comment: This variant is considered likely benign or benign based on one or more of the following criteria: it is a conservative change, it occurs at a poorly conserved position in the protein, it is predicted to be benign by multiple in silico algorithms, and/or has population frequency not consistent with disease.

PreventionGenetics, part of Exact Sciences
Classification: Likely benign. Review status: criteria provided, single submitter. Criteria: ACMG Guidelines, 2015. Collection method: clinical testing. Allele origin: germline.